The following is an entry in ClinVar:

NM_001101426.4(CRPPA):c.*2351C>T

Gene: CRPPA (CDP-L-ribitol pyrophosphorylase A; minus strand). Cytogenetic location: 7p21.2.
Variant type: single nucleotide variant.
Coding change: c.*2351C>T on transcript NM_001101426.4 (MANE Select); 2351 bases downstream of the stop codon, C replaced by T.
Molecular consequence: 3 prime UTR variant. On other transcripts: non-coding transcript variant (1).
Genome position (GRCh38, 1-based): chr7:16,089,344, G>A on the plus strand (C>T on the coding strand, the complement: CRPPA is on the minus strand). VCF-style: chr7-16089344-G-A. GRCh37 (hg19) VCF-style: chr7-16128969-G-A.
Other names: c.*2351C>T (NM_001101417.4, NM_001368197.1).
Identifiers: ClinVar variation 359526 (VCV000359526.5), dbSNP rs114572844, ClinGen allele CA4169257.

ClinVar aggregate classification (germline): Likely benign (1 of 4 stars; one submission).

Conditions:
Congenital Muscular Dystrophy, alpha-dystroglycan related.

Allele frequency attached by ClinVar (database versions not stated): ExAC 0.00086; gnomAD exomes 0.00119 and 0.00218; TOPMed 0.01870; gnomAD 0.01359 and 0.01443; 1000 Genomes Project 0.01857.
gnomAD v4.1: 1,978 of 370,866 alleles (0.53%); highest among the groups gnomAD compares: African/African-American, 4.3%; 130 homozygotes.

Submission:

Illumina Laboratory Services, Illumina
Classification: Likely benign for Congenital Muscular Dystrophy, alpha-dystroglycan related. Last evaluated: 2018-01-13. Review status: criteria provided, single submitter. Criteria: ICSL Variant Classification Criteria 13 December 2019. Collection method: clinical testing. Allele origin: germline.
Comment: This variant was observed in the ICSL laboratory as part of a predisposition screen in an ostensibly healthy population. It had not been previously curated by ICSL or reported in the Human Gene Mutation Database (HGMD: prior to June 1st, 2018), and was therefore a candidate for classification through an automated scoring system. Utilizing variant allele frequency, disease prevalence and penetrance estimates, and inheritance mode, an automated score was calculated to assess if this variant is too frequent to cause the disease. Based on the score and internal cut-off values, a variant classified as likely benign is not then subjected to further curation. The score for this variant resulted in a classification of likely benign for this disease.